The following is an entry in ClinVar:

NM_024529.5(CDC73):c.1038A>T (p.Gln346His)

Gene: CDC73 (cell division cycle 73; plus strand). Cytogenetic location: 1q31.2.
Variant type: single nucleotide variant.
Coding change: c.1038A>T on transcript NM_024529.5 (MANE Select); coding-DNA position 1038, A replaced by T.
Protein change: p.Gln346His; replaces glutamine 346 with histidine.
Molecular consequence: missense variant.
Genome position (GRCh38, 1-based): chr1:193,212,072, A>T. VCF-style: chr1-193212072-A-T. GRCh37 (hg19) VCF-style: chr1-193181202-A-T.
Other names: c.1038A>T (NM_024529.4); short protein forms Q346H.
Identifiers: ClinVar variation 1361734 (VCV001361734.7), dbSNP rs2102038062, ClinGen allele CA344077433.

ClinVar aggregate classification (germline): Uncertain significance. Review status: criteria provided, multiple submitters, no conflicts (2 of 4 stars). 2 submissions from 2 submitters: Uncertain significance (2). Last evaluated 2024-11-18.

Conditions:
Hereditary cancer-predisposing syndrome. Also called: Tumor predisposition; Hereditary neoplastic syndrome; Neoplastic Syndromes, Hereditary; Hereditary Cancer Syndrome. Identifiers: Orphanet 140162, MedGen C0027672, MeSH D009386, MONDO:0015356.
Parathyroid carcinoma (PRTC). Also called: Parathyroid gland carcinoma; CDC73-Related Parathyroid Carcinoma. Identifiers: Orphanet 143, MedGen C0687150, MONDO:0012004, OMIM 608266, HP:0006780.

Allele frequency attached by ClinVar (database versions not stated): gnomAD exomes below 0.00001.
gnomAD v4.1: 1 of 1,585,206 alleles (0.000063%); highest among the groups gnomAD compares: Non-Finnish European, 0.000086%; no homozygotes.

Submissions (2):

Ambry Genetics
Classification: Uncertain significance for Hereditary cancer-predisposing syndrome. Last evaluated: 2024-11-18. Review status: criteria provided, single submitter. Criteria: Ambry Variant Classification Scheme 2023. Collection method: clinical testing. Allele origin: germline.
Comment: The p.Q346H variant (also known as c.1038A>T), located in coding exon 12 of the CDC73 gene, results from an A to T substitution at nucleotide position 1038. The glutamine at codon 346 is replaced by histidine, an amino acid with highly similar properties. This amino acid position is conserved. In addition, this alteration is predicted to be tolerated by in silico analysis. Based on the available evidence, the clinical significance of this variant remains unclear.

Labcorp Genetics (formerly Invitae), Labcorp
Classification: Uncertain significance for Parathyroid carcinoma. Last evaluated: 2024-10-07. Review status: criteria provided, single submitter. Criteria: Invitae Variant Classification Sherloc (09022015). Collection method: clinical testing. Allele origin: germline.
Comment: This sequence change replaces glutamine, which is neutral and polar, with histidine, which is basic and polar, at codon 346 of the CDC73 protein (p.Gln346His). This variant is not present in population databases (gnomAD no frequency). This variant has not been reported in the literature in individuals affected with CDC73-related conditions. ClinVar contains an entry for this variant (Variation ID: 1361734). Invitae Evidence Modeling of protein sequence and biophysical properties (such as structural, functional, and spatial information, amino acid conservation, physicochemical variation, residue mobility, and thermodynamic stability) indicates that this missense variant is not expected to disrupt CDC73 protein function with a negative predictive value of 80%. In summary, the available evidence is currently insufficient to determine the role of this variant in disease. Therefore, it has been classified as a Variant of Uncertain Significance.